The following is an entry in ClinVar:

ClinVar aggregate classification (germline): Uncertain significance (1 of 4 stars; one submission).

Allele frequency attached by ClinVar (database versions not stated): TOPMed below 0.00001; ExAC 0.00001; gnomAD 0.00001; gnomAD exomes 0.00001.
gnomAD v4.1: 24 of 1,614,026 alleles (0.0015%); highest among the groups gnomAD compares: Non-Finnish European, 0.0019%; no homozygotes.

Submission:

Labcorp Genetics (formerly Invitae), Labcorp
Classification: Uncertain significance. Last evaluated: 2025-12-22. Review status: criteria provided, single submitter. Criteria: Invitae Variant Classification Sherloc (09022015). Collection method: clinical testing. Allele origin: germline.
Comment: This sequence change replaces arginine, which is basic and polar, with tryptophan, which is neutral and slightly polar, at codon 494 of the ANXA11 protein (p.Arg494Trp). This variant is present in population databases (rs747039260, gnomAD 0.004%). This variant has not been reported in the literature in individuals affected with ANXA11-related conditions. ClinVar contains an entry for this variant (Variation ID: 1490682). An algorithm developed to predict the effect of missense changes on protein structure and function (PolyPhen-2) suggests that this variant is likely to be tolerated. Algorithms developed to predict the effect of sequence changes on RNA splicing suggest that this variant may disrupt the consensus splice site. In summary, the available evidence is currently insufficient to determine the role of this variant in disease. Therefore, it has been classified as a Variant of Uncertain Significance.

NM_145868.2(ANXA11):c.1480C>T (p.Arg494Trp)

Gene: ANXA11 (annexin A11; minus strand). Cytogenetic location: 10q22.3.
Variant type: single nucleotide variant.
Coding change: c.1480C>T on transcript NM_145868.2 (MANE Select); coding-DNA position 1480, C replaced by T.
Protein change: p.Arg494Trp; replaces arginine 494 with tryptophan.
Molecular consequence: missense variant.
Genome position (GRCh38, 1-based): chr10:80,155,891, G>A on the plus strand (C>T on the coding strand, the complement: ANXA11 is on the minus strand). VCF-style: chr10-80155891-G-A. GRCh37 (hg19) VCF-style: chr10-81915647-G-A.
Other names: c.1480C>T, p.Arg494Trp (NM_001157.3, NM_001278407.2, NM_001278408.2 and 1 more transcripts); c.1381C>T, p.Arg461Trp (NM_001278409.2); short protein forms R461W, R494W.
Identifiers: ClinVar variation 1490682 (VCV001490682.6), dbSNP rs747039260, ClinGen allele CA5575716.
Genomic context (GRCh38, chr10:80,155,891, plus strand): 5'-GAAGTGAGCCACCAGTCACTGTTCAGTCATTGCCACCACAGATCTTCAGCAGAATCTTCC[G>A]GTAATCCCCTGAAGTATCTCCCTGGCCACAGAAACAAGGAAGACATCCGTTAAGGGAGGG-3'
Protein context (NP_665875.1, residues 484-504): DISGDTSGDY[Arg494Trp]KILLKICGGN